The following is an entry in ClinVar:

NM_001025356.3(ANO6):c.1031A>G (p.Lys344Arg)

Gene: ANO6 (anoctamin 6; plus strand). Cytogenetic location: 12q12.
Variant type: single nucleotide variant.
Coding change: c.1031A>G on transcript NM_001025356.3 (MANE Select); coding-DNA position 1031, A replaced by G.
Protein change: p.Lys344Arg; replaces lysine 344 with arginine.
Molecular consequence: missense variant.
Genome position (GRCh38, 1-based): chr12:45,367,720, A>G. VCF-style: chr12-45367720-A-G. GRCh37 (hg19) VCF-style: chr12-45761503-A-G.
Other names: c.1031A>G (NM_001025356.2); c.977A>G, p.Lys326Arg (NM_001142678.2); c.1031A>G, p.Lys344Arg (NM_001142679.2); c.1094A>G, p.Lys365Arg (NM_001204803.2); c.998A>G, p.Lys333Arg (NM_001410973.1); short protein forms K326R, K344R, K365R, K333R.
Identifiers: ClinVar variation 3004446 (VCV003004446.3), dbSNP rs755586644, ClinGen allele CA6525186.
Genomic context (GRCh38, chr12:45,367,720, plus strand): 5'-AAATTAAGTTTTATTTCTCTCTTTTTAGCAAAGAAGTTTGTCATCCTGATATTGGTGGCA[A>G]GATCATAATGTGTCCTCAGTGTGATAGGCTTTGTCCATTCTGGAAACTCAATATTACTTG-3'
Protein context (NP_001020527.2, residues 334-354): KEVCHPDIGG[Lys344Arg]IIMCPQCDRL

ClinVar aggregate classification (germline): Uncertain significance. Review status: criteria provided, multiple submitters, no conflicts (2 of 4 stars). 3 submissions from 3 submitters: Uncertain significance (3). Last evaluated 2025-07-09.

Conditions:
Inborn genetic diseases. Identifiers: MedGen C0950123, MeSH D030342.

Allele frequency attached by ClinVar (database versions not stated): gnomAD 0.00001; ExAC 0.00002; gnomAD exomes 0.00003; TOPMed 0.00003.
gnomAD v4.1: 48 of 1,613,328 alleles (0.003%); highest among the groups gnomAD compares: Non-Finnish European, 0.0039%; no homozygotes.

Submissions (3):

Women's Health and Genetics/Laboratory Corporation of America, LabCorp
Classification: Uncertain significance. Last evaluated: 2025-07-09. Review status: criteria provided, single submitter. Criteria: LabCorp Variant Classification Summary - May 2015. Collection method: clinical testing. Allele origin: germline.
Comment: Variant summary: ANO6 c.1031A>G (p.Lys344Arg) results in a conservative amino acid change in the encoded protein sequence. Algorithms developed to predict the effect of missense changes on protein structure and function all suggest that this variant is likely to be tolerated. The variant allele was found at a frequency of 1.2e-05 in 251106 control chromosomes. The available data on variant occurrences in the general population are insufficient to allow any conclusion about variant significance. To our knowledge, no occurrence of c.1031A>G in individuals affected with Scott Syndrome and no experimental evidence demonstrating its impact on protein function have been reported. ClinVar contains an entry for this variant (Variation ID: 3004446). Based on the evidence outlined above, the variant was classified as uncertain significance.

Ambry Genetics
Classification: Uncertain significance for Inborn genetic diseases. Last evaluated: 2024-06-17. Review status: criteria provided, single submitter. Criteria: Ambry Variant Classification Scheme 2023. Collection method: clinical testing. Allele origin: germline.

Labcorp Genetics (formerly Invitae), Labcorp
Classification: Uncertain significance. Last evaluated: 2023-08-11. Review status: criteria provided, single submitter. Criteria: Invitae Variant Classification Sherloc (09022015). Collection method: clinical testing. Allele origin: germline.
Comment: This sequence change replaces lysine, which is basic and polar, with arginine, which is basic and polar, at codon 344 of the ANO6 protein (p.Lys344Arg). This variant is present in population databases (rs755586644, gnomAD 0.003%). This variant has not been reported in the literature in individuals affected with ANO6-related conditions. Advanced modeling of protein sequence and biophysical properties (such as structural, functional, and spatial information, amino acid conservation, physicochemical variation, residue mobility, and thermodynamic stability) performed at Invitae indicates that this missense variant is not expected to disrupt ANO6 protein function. In summary, the available evidence is currently insufficient to determine the role of this variant in disease. Therefore, it has been classified as a Variant of Uncertain Significance.